The following is an entry in ClinVar:

NM_001256789.3(CACNA1F):c.238C>A (p.Pro80Thr)

Gene: CACNA1F (calcium voltage-gated channel subunit alpha1 F; minus strand). Cytogenetic location: Xp11.23.
Variant type: single nucleotide variant.
Coding change: c.238C>A on transcript NM_001256789.3 (MANE Select); coding-DNA position 238, C replaced by A.
Protein change: p.Pro80Thr; replaces proline 80 with threonine.
Molecular consequence: missense variant. On other transcripts: intron variant (1).
Genome position (GRCh38, 1-based): chrX:49,231,715, G>T on the plus strand (C>A on the coding strand, the complement: CACNA1F is on the minus strand). VCF-style: chrX-49231715-G-T. GRCh37 (hg19) VCF-style: chrX-49088177-G-T.
Other names: c.238C>A, p.Pro80Thr (NM_005183.4); c.66-23C>A (NM_001256790.3); short protein forms P80T.
Identifiers: ClinVar variation 2700198 (VCV002700198.3), dbSNP rs2519142892, ClinGen allele CA412927247.
Genomic context (GRCh38, chrX:49,231,715, plus strand): 5'-CCTGCCCCTGCCTTCCAGGATGCTTCCACTCCACGATGCTGATGCAGGACCGTCGCAGAG[G>T]ATTGGCCAGGGTGAGGCAGAAGAGTGCCCGAGGTGACCGCTGGGCACTGGCCACTGCCAC-3'
Protein context (NP_001243718.1, residues 70-90): RALFCLTLAN[Pro80Thr]LRRSCISIVE

ClinVar aggregate classification (germline): Uncertain significance (1 of 4 stars; one submission).

Submission:

Labcorp Genetics (formerly Invitae), Labcorp
Classification: Uncertain significance. Last evaluated: 2023-06-09. Review status: criteria provided, single submitter. Criteria: Invitae Variant Classification Sherloc (09022015). Collection method: clinical testing. Allele origin: germline.
Comment: An algorithm developed to predict the effect of missense changes on protein structure and function (PolyPhen-2) suggests that this variant is likely to be disruptive. In summary, the available evidence is currently insufficient to determine the role of this variant in disease. Therefore, it has been classified as a Variant of Uncertain Significance. This variant has not been reported in the literature in individuals affected with CACNA1F-related conditions. This variant is not present in population databases (gnomAD no frequency). This sequence change replaces proline, which is neutral and non-polar, with threonine, which is neutral and polar, at codon 80 of the CACNA1F protein (p.Pro80Thr).